The following is an entry in ClinVar:

NC_000001.10:g.(?_24137216)_(24140838_?)del

Gene: HMGCL (3-hydroxy-3-methylglutaryl-CoA lyase; minus strand). Cytogenetic location: 1p36.11.
Variant type: Deletion.
Identifiers: ClinVar variation 1348802 (VCV001348802.6).

ClinVar aggregate classification (germline): Likely pathogenic (1 of 4 stars; one submission).

Conditions:
Deficiency of hydroxymethylglutaryl-CoA lyase (HMGCLD). Also called: HMGCL DEFICIENCY; HYDROXYMETHYLGLUTARIC ACIDURIA; Defect in leucine metabolism; 3-hydroxy-3-methylglutaric aciduria; HMG-CoA LYASE DEFICIENCY. Identifiers: Orphanet 20, MedGen C1533587, MONDO:0009520, OMIM 246450.

Submission:

Labcorp Genetics (formerly Invitae), Labcorp
Classification: Likely pathogenic for Deficiency of hydroxymethylglutaryl-CoA lyase. Last evaluated: 2020-11-11. Review status: criteria provided, single submitter. Criteria: Invitae Variant Classification Sherloc (09022015). Collection method: clinical testing. Allele origin: germline.
Comment: In summary, the currently available evidence indicates that the variant is pathogenic, but additional data are needed to prove that conclusively. Therefore, this variant has been classified as Likely Pathogenic. This variant disrupts the p.Arg165 amino acid residue in HMGCL. Other variant(s) that disrupt this residue have been determined to be pathogenic (PMID: 28583327, 10916782). This suggests that this residue is clinically significant, and that variants that disrupt this residue are likely to be disease-causing. This variant has not been reported in the literature in individuals with HMGCL-related conditions. This variant is a gross deletion of the genomic region encompassing exon(s) 5-6 of the HMGCL gene. This variant would be expected to be in-frame, preserving the integrity of the reading frame.

Literature cited by the submitters: PubMed 28583327; PubMed 10916782.